The following is an entry in ClinVar:

ClinVar aggregate classification (germline): Conflicting classifications of pathogenicity. Review status: criteria provided, conflicting classifications (1 of 4 stars). 2 submissions from 2 submitters: Uncertain significance (1); Likely benign (1). Last evaluated 2023-03-23.

Conditions:
Hereditary cancer-predisposing syndrome. Also called: Neoplastic Syndromes, Hereditary; Tumor predisposition; Hereditary Cancer Syndrome; Hereditary neoplastic syndrome. Identifiers: Orphanet 140162, MedGen C0027672, MeSH D009386, MONDO:0015356.

Allele frequency attached by ClinVar (database versions not stated): gnomAD exomes below 0.00001.
gnomAD v4.1: 1 of 1,611,846 alleles (0.000062%); highest among the groups gnomAD compares: East Asian, 0.0022%; no homozygotes.

Submissions (2):

University of Washington Department of Laboratory Medicine, University of Washington
Classification: Likely benign for Hereditary cancer-predisposing syndrome. Last evaluated: 2023-03-23. Review status: criteria provided, single submitter. Criteria: Dines et al. (Genet Med. 2020). Collection method: curation. Allele origin: germline.
Comment: Missense variant in a coldspot region where missense variants are very unlikely to be pathogenic (PMID:31911673).

BRCA2 exon 10 coldspot. Reclassification based on statistical prior probability.

Ambry Genetics
Classification: Uncertain significance for Hereditary cancer-predisposing syndrome. Last evaluated: 2016-05-25. Review status: criteria provided, single submitter. Criteria: Ambry Variant Classification Scheme 2023. Collection method: clinical testing. Allele origin: germline.
Comment: The p.K589N variant (also known as c.1767G>C), located in coding exon 9 of the BRCA2 gene, results from a G to C substitution at nucleotide position 1767. The lysine at codon 589 is replaced by asparagine, an amino acid with similar properties. This variant was not reported in population based cohorts in the following databases: Database of Single Nucleotide Polymorphisms (dbSNP), NHLBI Exome Sequencing Project (ESP), and 1000 Genomes Project. In the ESP, this variant was not observed in 6500 samples (13000 alleles) with coverage at this position. To date, this alteration has been detected with an allele frequency of approximately 0.0003% (greater than 300000 alleles tested) in our clinical cohort. This amino acid position is well conserved in available vertebrate species. In addition, this alteration is predicted to be tolerated by in silico analysis. Since supporting evidence is limited at this time, the clinical significance of this alteration remains unclear.

NM_000059.4(BRCA2):c.1767G>C (p.Lys589Asn)

Gene: BRCA2 (BRCA2 DNA repair associated; plus strand). Cytogenetic location: 13q13.1.
Variant type: single nucleotide variant.
Coding change: c.1767G>C on transcript NM_000059.4 (MANE Select); coding-DNA position 1767, G replaced by C.
Protein change: p.Lys589Asn; replaces lysine 589 with asparagine.
Molecular consequence: missense variant.
Genome position (GRCh38, 1-based): chr13:32,333,245, G>C. VCF-style: chr13-32333245-G-C. GRCh37 (hg19) VCF-style: chr13-32907382-G-C.
Other names: short protein forms K589N.
Identifiers: ClinVar variation 483032 (VCV000483032.7), dbSNP rs1555282059, ClinGen allele CA387765619.
Genomic context (GRCh38, chr13:32,333,245, plus strand): 5'-GAATTCTGTAGCTTTGAAGAATGCAGGTTTAATATCCACTTTGAAAAAGAAAACAAATAA[G>C]TTTATTTATGCTATACATGATGAAACATCTTATAAAGGAAAAAAAATACCGAAAGACCAA-3'
Protein context (NP_000050.3, residues 579-599): LISTLKKKTN[Lys589Asn]FIYAIHDETS